The following is an entry in ClinVar:

ClinVar aggregate classification (germline): Likely benign (0 of 4 stars; one submission).

Conditions:
Histiocytoid cardiomyopathy. Also called: FOAMY MYOCARDIAL TRANSFORMATION OF INFANCY. Identifiers: Orphanet 137675, MedGen C1708371, MONDO:0010771, OMIM 500000, HP:0005152.

Submission:

Cardiovascular Biomedical Research Unit, Royal Brompton & Harefield NHS Foundation Trust
Classification: Likely benign for Histiocytoid cardiomyopathy. Review status: no assertion criteria provided. Collection method: research. Allele origin: de novo. Inheritance: Sporadic. Affected: yes. Observed: 1 variant allele, 1 heterozygote.

NM_001162529.3(FAM135A):c.474C>G (p.Tyr158Ter)

Gene: FAM135A (family with sequence similarity 135 member A; plus strand). Cytogenetic location: 6q13.
Variant type: single nucleotide variant.
Coding change: c.474C>G on transcript NM_001162529.3 (MANE Select); coding-DNA position 474, C replaced by G.
Protein change: p.Tyr158Ter; replaces tyrosine 158 with a stop codon.
Molecular consequence: nonsense. On other transcripts: 5 prime UTR variant (1).
Genome position (GRCh38, 1-based): chr6:70,477,264, C>G. VCF-style: chr6-70477264-C-G. GRCh37 (hg19) VCF-style: chr6-71186967-C-G.
Other names: c.474C>G, p.Tyr158Ter (NM_001105531.3, NM_001330995.3, NM_001330996.3 and 11 more transcripts); c.375C>G, p.Tyr125Ter (NM_001331000.3, NM_001331005.3); c.-647C>G (NM_001331004.3); c.216C>G, p.Tyr72Ter (NM_001351608.2, NM_001351609.2); c.345C>G, p.Tyr115Ter (NM_020819.5); short protein forms Y158*, Y125*, Y72*, Y115*.
Identifiers: ClinVar variation 254142 (VCV000254142.2), dbSNP rs748520978, ClinGen allele CA10586341.
Genomic context (GRCh38, chr6:70,477,264, plus strand): 5'-GAAGCTGCACTTTAGCCCCCATAGAGGCCTTCATCATCATGTTAATGTTATGTTTGATTA[C>G]TTCCACCTTTCTGTTGTGTCTGTTACAGTTCATGCATCATTGGTTGCACTACACCAGCCA-3'